The following is an entry in ClinVar:

ClinVar aggregate classification (germline): Uncertain significance (1 of 4 stars; one submission).

Conditions:
Hereditary cancer-predisposing syndrome. Also called: Neoplastic Syndromes, Hereditary; Tumor predisposition; Hereditary Cancer Syndrome; Hereditary neoplastic syndrome. Identifiers: Orphanet 140162, MedGen C0027672, MeSH D009386, MONDO:0015356.

gnomAD v4.1: 1 of 1,612,338 alleles (0.000062%); highest among the groups gnomAD compares: African/African-American, 0.0013%; no homozygotes.

Submission:

Ambry Genetics
Classification: Uncertain significance for Hereditary cancer-predisposing syndrome. Last evaluated: 2026-02-28. Review status: criteria provided, single submitter. Criteria: Ambry Variant Classification Scheme 2023. Collection method: clinical testing. Allele origin: germline.
Comment: The p.D566G variant (also known as c.1697A>G), located in coding exon 18 of the RB1 gene, results from an A to G substitution at nucleotide position 1697. The aspartic acid at codon 566 is replaced by glycine, an amino acid with similar properties. This amino acid position is conserved. In addition, the in silico prediction for this alteration is inconclusive. Based on the available evidence, the clinical significance of this variant remains unclear.

NM_000321.3(RB1):c.1697A>G (p.Asp566Gly)

Gene: RB1 (RB transcriptional corepressor 1; plus strand). Cytogenetic location: 13q14.2.
Variant type: single nucleotide variant.
Coding change: c.1697A>G on transcript NM_000321.3 (MANE Select); coding-DNA position 1697, A replaced by G.
Protein change: p.Asp566Gly; replaces aspartic acid 566 with glycine.
Molecular consequence: missense variant.
Genome position (GRCh38, 1-based): chr13:48,452,994, A>G. VCF-style: chr13-48452994-A-G. GRCh37 (hg19) VCF-style: chr13-49027130-A-G.
Other names: c.1697A>G, p.Asp566Gly (NM_001407165.1); short protein forms D566G.
Identifiers: ClinVar variation 4827769 (VCV004827769.1).